The following is an entry in ClinVar:

NM_001371623.1(TCOF1):c.2675A>C (p.Lys892Thr)

Gene: TCOF1 (treacle ribosome biogenesis factor 1; plus strand). Cytogenetic location: 5q32.
Variant type: single nucleotide variant.
Coding change: c.2675A>C on transcript NM_001371623.1 (MANE Select); coding-DNA position 2675, A replaced by C.
Protein change: p.Lys892Thr; replaces lysine 892 with threonine.
Molecular consequence: missense variant.
Genome position (GRCh38, 1-based): chr5:150,379,548, A>C. VCF-style: chr5-150379548-A-C. GRCh37 (hg19) VCF-style: chr5-149759111-A-C.
Other names: c.2444A>C, p.Lys815Thr (NM_000356.4, NM_001135245.2, NM_001437406.1); c.2675A>C, p.Lys892Thr (NM_001008657.3, NM_001135243.2, NM_001135244.2 and 1 more transcripts); short protein forms K815T, K892T.
Identifiers: ClinVar variation 4527738 (VCV004527738.1).

ClinVar aggregate classification (germline): Uncertain significance (1 of 4 stars; one submission).

Submission:

GeneDx
Classification: Uncertain significance. Last evaluated: 2025-05-02. Review status: criteria provided, single submitter. Criteria: GeneDx Variant Classification Process June 2021. Collection method: clinical testing. Allele origin: germline. Affected: yes.
Comment: In silico analysis supports that this missense variant has a deleterious effect on protein structure/function; Has not been previously published as pathogenic or benign to our knowledge